The following is an entry in ClinVar:

ClinVar aggregate classification (germline): Uncertain significance (1 of 4 stars; one submission).

Allele frequency attached by ClinVar (database versions not stated): gnomAD exomes below 0.00001; TOPMed below 0.00001.
gnomAD v4.1: 1 of 1,610,608 alleles (0.000062%); highest among the groups gnomAD compares: Non-Finnish European, 0.000085%; no homozygotes.

Submission:

GeneDx
Classification: Uncertain significance. Last evaluated: 2020-07-10. Review status: criteria provided, single submitter. Criteria: GeneDx Variant Classification Process June 2021. Collection method: clinical testing. Allele origin: germline. Affected: yes.
Comment: Not observed at a significant frequency in large population cohorts (Lek et al., 2016); In silico analysis supports that this missense variant has a deleterious effect on protein structure/function; Has not been previously published as pathogenic or benign to our knowledge

NM_001170629.2(CHD8):c.3371A>T (p.His1124Leu)

Gene: CHD8 (chromodomain helicase DNA binding protein 8; minus strand). Cytogenetic location: 14q11.2.
Variant type: single nucleotide variant.
Coding change: c.3371A>T on transcript NM_001170629.2 (MANE Select); coding-DNA position 3371, A replaced by T.
Protein change: p.His1124Leu; replaces histidine 1124 with leucine.
Molecular consequence: missense variant.
Genome position (GRCh38, 1-based): chr14:21,403,600, T>A on the plus strand (A>T on the coding strand, the complement: CHD8 is on the minus strand). VCF-style: chr14-21403600-T-A. GRCh37 (hg19) VCF-style: chr14-21871759-T-A.
Other names: c.2534A>T, p.His845Leu (NM_020920.4); short protein forms H1124L, H845L.
Identifiers: ClinVar variation 1313073 (VCV001313073.2), dbSNP rs1566423820, ClinGen allele CA388901265.
Genomic context (GRCh38, chr14:21,403,600, plus strand): 5'-TTTGGAAGCAACTTGTCAATAAGAACCAGTTTGCCGGCTGAACGAACCATGGCCTGCAGG[T>A]GAAAGTCATGAGGTATAATATGGCAAGCTTCACGGAATTCTGTTAGGATTTTTTCTTCAG-3'
Protein context (NP_001164100.1, residues 1114-1134): EACHIIPHDF[His1124Leu]LQAMVRSAGK